The following is an entry in ClinVar:

ClinVar aggregate classification (germline): Likely benign. Review status: criteria provided, multiple submitters, no conflicts (2 of 4 stars). 3 submissions from 3 submitters: Likely benign (2). 1 of the submissions does not count toward it. Last evaluated 2024-10-03.

Conditions:
KCNQ2-Related Disorders. Also called: KCNQ2-related disorder; KCNQ2-related condition. Identifiers: MedGen CN169299.
Seizures, benign familial neonatal, 1. Also called: KCNQ2-Related Benign Familial Neonatal Epilepsy; Benign Neonatal Epilepsy 1; KCNQ2-Related Self-Limited Familial Neonatal Epilepsy (SLFNE); Seizures, benign neonatal, 1. Identifiers: Orphanet 1949, MedGen C3149074, MONDO:0007365, OMIM 121200.
Developmental and epileptic encephalopathy, 7 (DEE7). Also called: KCNQ2-Related Neonatal Epileptic Encephalopathy; Early infantile epileptic encephalopathy 7; KCNQ2-Related Neonatal-Onset Developmental and Epileptic Encephalopathy (NEO-DEE). Identifiers: Orphanet 439218, MedGen C3150986, MONDO:0013387, OMIM 613720.

Allele frequency attached by ClinVar (database versions not stated): TOPMed 0.00020; gnomAD 0.00021; ExAC 0.00045; 1000 Genomes Project 30x 0.00156; 1000 Genomes Project 0.00160.
gnomAD v4.1: 143 of 1,612,910 alleles (0.0089%); highest among the groups gnomAD compares: East Asian, 0.3%; 1 homozygote.

Submissions (5):

Blueprint Genetics
Classification: Likely benign. Last evaluated: 2024-10-03. Review status: criteria provided, single submitter. Criteria: ACMG Guidelines, 2015. Collection method: clinical testing. Allele origin: germline.

Department of Pathology and Laboratory Medicine, Sinai Health System
Classification: Likely benign for Seizures, benign familial neonatal, 1; Developmental and epileptic encephalopathy, 7. Last evaluated: 2021-07-30. Review status: criteria provided, single submitter. Criteria: ACMG Guidelines, 2015. Collection method: research. Allele origin: germline.

PreventionGenetics, part of Exact Sciences
Classification: Benign for KCNQ2-related condition. Last evaluated: 2019-08-20. Review status: no assertion criteria provided. Collection method: clinical testing. Allele origin: germline. Not counted in ClinVar's aggregate classification.
Comment: This variant is classified as benign based on ACMG/AMP sequence variant interpretation guidelines (Richards et al. 2015 PMID: 25741868, with internal and published modifications).

Dr. Peter K. Rogan Lab, Western University
No classification provided (evidence only). Condition: Gastric cancer. Review status: no classification provided. Collection method: in vitro. Allele origin: not applicable. Functional consequence: retained intron. Not counted in ClinVar's aggregate classification.

Dr. Peter K. Rogan Lab, Western University
No classification provided (evidence only). Condition: Hepatocellular carcinoma. Review status: no classification provided. Collection method: in vitro. Allele origin: not applicable. Functional consequence: retained intron. Not counted in ClinVar's aggregate classification.

NM_172107.4(KCNQ2):c.1118+46A>T

Gene: KCNQ2 (potassium voltage-gated channel subfamily Q member 2; minus strand). Cytogenetic location: 20q13.33.
Variant type: single nucleotide variant.
Coding change: c.1118+46A>T on transcript NM_172107.4 (MANE Select); 46 bases into the intron after coding-DNA position 1118, A replaced by T.
Molecular consequence: intron variant. On other transcripts: missense variant (1).
Genome position (GRCh38, 1-based): chr20:63,433,763, T>A on the plus strand (A>T on the coding strand, the complement: KCNQ2 is on the minus strand). VCF-style: chr20-63433763-T-A. GRCh37 (hg19) VCF-style: chr20-62065116-T-A.
Other names: NC_000020.10:g.62065116T>A; c.1164A>T, p.Leu388Phe (NM_172109.3); c.1118+46A>T (NM_004518.6, NM_172108.5, NM_172106.3 and 1 more transcripts); short protein forms L388F.
Identifiers: ClinVar variation 3052897 (VCV003052897.5), dbSNP rs200735744, ClinGen allele CA9958628.